The following is an entry in ClinVar:

NM_003791.4(MBTPS1):c.1317C>T (p.Pro439=)

Gene: MBTPS1 (membrane bound transcription factor peptidase, site 1; minus strand). Cytogenetic location: 16q23.3.
Variant type: single nucleotide variant.
Coding change: c.1317C>T on transcript NM_003791.4 (MANE Select); coding-DNA position 1317, C replaced by T.
Protein change: p.Pro439=; no amino-acid change (proline 439 retained).
Molecular consequence: synonymous variant.
Genome position (GRCh38, 1-based): chr16:84,081,878, G>A on the plus strand (C>T on the coding strand, the complement: MBTPS1 is on the minus strand). VCF-style: chr16-84081878-G-A. GRCh37 (hg19) VCF-style: chr16-84115483-G-A.
Other names: p.Pro439=; c.1317C>T (NM_003791.3).
Identifiers: ClinVar variation 1590035 (VCV001590035.13), dbSNP rs3743631, ClinGen allele CA8201365.

ClinVar aggregate classification (germline): Benign. Review status: criteria provided, multiple submitters, no conflicts (2 of 4 stars). 5 submissions from 5 submitters: Benign (4). 1 of the submissions does not count toward it. Last evaluated 2026-02-04.

Conditions:
MBTPS1-related disorder. Also called: MBTPS1-related condition.

Allele frequency attached by ClinVar (database versions not stated): ESP Exome Variant Server 0.45531; gnomAD exomes 0.47412; gnomAD 0.47759 and 0.47804; ExAC 0.47850; TOPMed 0.48584; 1000 Genomes Project 30x 0.52186; 1000 Genomes Project 0.52915.
gnomAD v4.1: 639,253 of 1,470,436 alleles (43%); highest among the groups gnomAD compares: East Asian, 69%; 141,936 homozygotes.

Submissions (5):

Labcorp Genetics (formerly Invitae), Labcorp
Classification: Benign. Last evaluated: 2026-02-04. Review status: criteria provided, single submitter. Criteria: Invitae Variant Classification Sherloc (09022015). Collection method: clinical testing. Allele origin: germline.

Blueprint Genetics
Classification: Benign. Last evaluated: 2024-11-27. Review status: criteria provided, single submitter. Criteria: ACMG Guidelines, 2015. Collection method: clinical testing. Allele origin: germline.

Mayo Clinic Laboratories, Mayo Clinic
Classification: Benign. Last evaluated: 2022-04-14. Review status: criteria provided, single submitter. Criteria: ACMG Guidelines, 2015. Collection method: clinical testing. Allele origin: germline. Observed: 13 variant alleles.

Breakthrough Genomics
Classification: Benign. Review status: criteria provided, single submitter. Criteria: ACMG Guidelines, 2015. Collection method: not provided. Allele origin: germline. Inheritance: Autosomal recessive inheritance. Affected: yes.

PreventionGenetics, part of Exact Sciences
Classification: Benign for MBTPS1-related condition. Last evaluated: 2019-10-17. Review status: no assertion criteria provided. Collection method: clinical testing. Allele origin: germline. Not counted in ClinVar's aggregate classification.
Comment: This variant is classified as benign based on ACMG/AMP sequence variant interpretation guidelines (Richards et al. 2015 PMID: 25741868, with internal and published modifications).